The following is an entry in ClinVar:

NM_206933.4(USH2A):c.8457del (p.Val2820fs)

Gene: USH2A (usherin; minus strand). Cytogenetic location: 1q41.
Variant type: Deletion.
Coding change: c.8457del on transcript NM_206933.4 (MANE Select); coding-DNA position 8457, one base deleted (C; older notation c.8457delC).
Protein change: p.Val2820fs; shifts the reading frame from valine 2820.
Molecular consequence: frameshift variant.
Genome position (GRCh38, 1-based): chr1:215,878,865, G deleted on the plus strand (C on the coding strand, the reverse complement: USH2A is on the minus strand); the first of 2 consecutive G bases (chr1:215,878,865-215,878,866); deleting either gives the same sequence. VCF-style (leftmost placement, unchanged base first): chr1-215878864-CG-C. GRCh37 (hg19) VCF-style: chr1-216052206-CG-C.
Other names: short protein forms V2820fs.
Identifiers: ClinVar variation 2863877 (VCV002863877.3), dbSNP rs2464716697, ClinGen allele CA2739275594.

ClinVar aggregate classification (germline): Pathogenic (1 of 4 stars; one submission).

Submission:

Labcorp Genetics (formerly Invitae), Labcorp
Classification: Pathogenic. Last evaluated: 2023-05-13. Review status: criteria provided, single submitter. Criteria: Invitae Variant Classification Sherloc (09022015). Collection method: clinical testing. Allele origin: germline.
Comment: For these reasons, this variant has been classified as Pathogenic. This variant has not been reported in the literature in individuals affected with USH2A-related conditions. This variant is not present in population databases (gnomAD no frequency). This sequence change creates a premature translational stop signal (p.Val2820Tyrfs*10) in the USH2A gene. It is expected to result in an absent or disrupted protein product. Loss-of-function variants in USH2A are known to be pathogenic (PMID: 10729113, 10909849, 20507924, 25649381).

Literature cited by the submitters: PubMed 10729113; PubMed 10909849; PubMed 20507924; PubMed 25649381.